The following is an entry in ClinVar:

ClinVar aggregate classification (germline): Uncertain significance (1 of 4 stars; one submission).

Conditions:
Brugada syndrome. Also called: Sudden unexpected nocturnal death syndrome; Sudden unexplained nocturnal death syndrome; Sudden Unexplained Death Syndrome; Sudden Unexplained Nocturnal Death Syndrome (SUNDS). Identifiers: Orphanet 130, MedGen C1142166, MONDO:0015263.

gnomAD v4.1: 3 of 1,604,768 alleles (0.00019%); highest among the groups gnomAD compares: African/African-American, 0.0013%; no homozygotes.

Submission:

Labcorp Genetics (formerly Invitae), Labcorp
Classification: Uncertain significance for Brugada syndrome. Last evaluated: 2025-05-01. Review status: criteria provided, single submitter. Criteria: Invitae Variant Classification Sherloc (09022015). Collection method: clinical testing. Allele origin: germline.
Comment: This sequence change replaces valine, which is neutral and non-polar, with methionine, which is neutral and non-polar, at codon 800 of the SLMAP protein (p.Val800Met). This variant is present in population databases (no rsID available, gnomAD 0.007%). This variant has not been reported in the literature in individuals affected with SLMAP-related conditions. An algorithm developed to predict the effect of missense changes on protein structure and function (PolyPhen-2) suggests that this variant is likely to be tolerated. In summary, the available evidence is currently insufficient to determine the role of this variant in disease. Therefore, it has been classified as a Variant of Uncertain Significance.

NM_001377540.1(SLMAP):c.*61G>A

Gene: SLMAP (sarcolemma associated protein; plus strand). Cytogenetic location: 3p14.3.
Variant type: single nucleotide variant.
Coding change: c.*61G>A on transcript NM_001377540.1 (MANE Select); 61 bases downstream of the stop codon, G replaced by A.
Molecular consequence: 3 prime UTR variant. On other transcripts: missense variant (10), non-coding transcript variant (1).
Genome position (GRCh38, 1-based): chr3:57,927,350, G>A. VCF-style: chr3-57927350-G-A. GRCh37 (hg19) VCF-style: chr3-57913077-G-A.
Other names: c.2449G>A, p.Val817Met (NM_001304420.3); c.2335G>A, p.Val779Met (NM_001304421.2, NM_001377557.1); c.1051G>A, p.Val351Met (NM_001304422.3); c.853G>A, p.Val285Met (NM_001304423.3); c.*61G>A (NM_001311178.2, NM_001377541.1, NM_001377542.1 and 12 more transcripts); c.2521G>A, p.Val841Met (NM_001377538.1); c.2500G>A, p.Val834Met (NM_001377539.1); c.2386G>A, p.Val796Met (NM_001377551.1); and 2 more; short protein forms V817M, V285M, V310M, V834M, V841M, V351M, V796M, V779M.
Identifiers: ClinVar variation 4748058 (VCV004748058.1).